The following is an entry in ClinVar:

ClinVar aggregate classification (germline): Uncertain significance (1 of 4 stars; one submission).

Conditions:
Tuberous sclerosis 2 (TSC2). Identifiers: Orphanet 805, MedGen C1860707, MONDO:0013199, OMIM 613254.

Submission:

Labcorp Genetics (formerly Invitae), Labcorp
Classification: Uncertain significance for Tuberous sclerosis 2. Last evaluated: 2024-01-16. Review status: criteria provided, single submitter. Criteria: Invitae Variant Classification Sherloc (09022015). Collection method: clinical testing. Allele origin: germline.
Comment: This sequence change falls in intron 34 of the TSC2 gene. It does not directly change the encoded amino acid sequence of the TSC2 protein. It affects a nucleotide within the consensus splice site. This variant is not present in population databases (gnomAD no frequency). This variant has not been reported in the literature in individuals affected with TSC2-related conditions. ClinVar contains an entry for this variant (Variation ID: 1492761). Variants that disrupt the consensus splice site are a relatively common cause of aberrant splicing (PMID: 17576681, 9536098). Algorithms developed to predict the effect of sequence changes on RNA splicing suggest that this variant is not likely to affect RNA splicing. In summary, the available evidence is currently insufficient to determine the role of this variant in disease. Therefore, it has been classified as a Variant of Uncertain Significance.

Literature cited by the submitters: PubMed 17576681; PubMed 9536098.

NM_000548.5(TSC2):c.4494-3C>T

Gene: TSC2 (TSC complex subunit 2; plus strand). Cytogenetic location: 16p13.3.
Variant type: single nucleotide variant.
Coding change: c.4494-3C>T on transcript NM_000548.5 (MANE Select); 3 bases into the intron before coding-DNA position 4494, C replaced by T.
Molecular consequence: intron variant.
Genome position (GRCh38, 1-based): chr16:2,084,948, C>T. VCF-style: chr16-2084948-C-T. GRCh37 (hg19) VCF-style: chr16-2134949-C-T.
Other names: c.4425-3C>T (NM_001114382.3); c.4365-3C>T (NM_021055.3, NM_001370405.1); c.4296-3C>T (NM_001363528.2); c.4362-3C>T (NM_001370404.1); c.4293-3C>T (NM_001077183.3); c.4185-3C>T (NM_001318827.2); c.3762-3C>T (NM_001318831.2); c.4149-3C>T (NM_001318829.2); and 1 more.
Identifiers: ClinVar variation 1492761 (VCV001492761.6), dbSNP rs2151542933, ClinGen allele CA2573151672.